The following is an entry in ClinVar:

NM_015030.2(FRYL):c.1655C>G (p.Pro552Arg)

Gene: FRYL (FRY like transcription coactivator; minus strand). Cytogenetic location: 4p11.
Variant type: single nucleotide variant.
Coding change: c.1655C>G on transcript NM_015030.2 (MANE Select); coding-DNA position 1655, C replaced by G.
Protein change: p.Pro552Arg; replaces proline 552 with arginine.
Molecular consequence: missense variant.
Genome position (GRCh38, 1-based): chr4:48,586,714, G>C on the plus strand (C>G on the coding strand, the complement: FRYL is on the minus strand). VCF-style: chr4-48586714-G-C. GRCh37 (hg19) VCF-style: chr4-48588731-G-C.
Other names: short protein forms P552R.
Identifiers: ClinVar variation 4074516 (VCV004074516.1).

ClinVar aggregate classification (germline): Uncertain significance (1 of 4 stars; one submission).

Submission:

GeneDx
Classification: Uncertain significance. Last evaluated: 2025-02-10. Review status: criteria provided, single submitter. Criteria: GeneDx Variant Classification Process June 2021. Collection method: clinical testing. Allele origin: germline. Affected: yes.
Comment: Not observed at significant frequency in large population cohorts (gnomAD); In silico analysis supports that this missense variant has a deleterious effect on protein structure/function; Has not been previously published as pathogenic or benign to our knowledge